The following is an entry in ClinVar:

ClinVar aggregate classification (germline): Conflicting classifications of pathogenicity. Review status: criteria provided, conflicting classifications (1 of 4 stars). 7 submissions from 7 submitters: Uncertain significance (6); Likely benign (1). Last evaluated 2025-08-25.

Conditions:
Inborn genetic diseases. Identifiers: MedGen C0950123, MeSH D030342.
Neuronal ceroid lipofuscinosis. Also called: Neuronal Ceroid Lipofuscinoses. Identifiers: Orphanet 216, Orphanet 79263, MedGen C0027877, MONDO:0016295. Disease mechanism: loss of function.
Neuronal ceroid lipofuscinosis 3 (CLN3). Identifiers: Orphanet 228346, MedGen C0751383, MONDO:0008767, OMIM 204200.

Allele frequency attached by ClinVar (database versions not stated): gnomAD exomes 0.00004 and 0.00005; ExAC 0.00012; ESP Exome Variant Server 0.00015; TOPMed 0.00024; gnomAD 0.00029 and 0.00031; 1000 Genomes Project 30x 0.00031; 1000 Genomes Project 0.00040.
gnomAD v4.1: 103 of 1,609,192 alleles (0.0064%); highest among the groups gnomAD compares: African/African-American, 0.1%; no homozygotes.

Submissions (7):

Ambry Genetics
Classification: Uncertain significance for Inborn genetic diseases. Last evaluated: 2025-08-25. Review status: criteria provided, single submitter. Criteria: Ambry Variant Classification Scheme 2023. Collection method: clinical testing. Allele origin: germline.

Labcorp Genetics (formerly Invitae), Labcorp
Classification: Uncertain significance for Neuronal ceroid lipofuscinosis. Last evaluated: 2024-01-15. Review status: criteria provided, single submitter. Criteria: Invitae Variant Classification Sherloc (09022015). Collection method: clinical testing. Allele origin: germline.
Comment: This sequence change replaces proline, which is neutral and non-polar, with leucine, which is neutral and non-polar, at codon 259 of the CLN3 protein (p.Pro259Leu). This variant is present in population databases (rs137858807, gnomAD 0.08%). This variant has not been reported in the literature in individuals affected with CLN3-related conditions. ClinVar contains an entry for this variant (Variation ID: 193616). An algorithm developed to predict the effect of missense changes on protein structure and function (PolyPhen-2) suggests that this variant¬†is likely to be tolerated. In summary, the available evidence is currently insufficient to determine the role of this variant in disease. Therefore, it has been classified as a Variant of Uncertain Significance.

Blueprint Genetics
Classification: Likely benign. Last evaluated: 2023-08-25. Review status: criteria provided, single submitter. Criteria: ACMG Guidelines, 2015. Collection method: clinical testing. Allele origin: germline.

Genome-Nilou Lab
Classification: Uncertain significance for Neuronal ceroid lipofuscinosis 3. Last evaluated: 2021-09-05. Review status: criteria provided, single submitter. Criteria: ACMG Guidelines, 2015. Collection method: clinical testing. Allele origin: germline. Affected: no.

GeneDx
Classification: Uncertain significance. Last evaluated: 2020-08-21. Review status: criteria provided, single submitter. Criteria: GeneDx Variant Classification Process June 2021. Collection method: clinical testing. Allele origin: germline. Affected: yes.
Comment: In silico analysis supports that this missense variant has a deleterious effect on protein structure/function; Has not been previously published as pathogenic or benign to our knowledge

Center for Pediatric Genomic Medicine, Children's Mercy Hospital and Clinics
Classification: Uncertain significance. Last evaluated: 2015-08-26. Review status: criteria provided, single submitter. Criteria: ACMG Guidelines, 2015. Collection method: clinical testing. Allele origin: germline.
ClinVar note: Converted during submission from Uncertain Significance to Uncertain significance.

Eurofins Ntd Llc (ga)
Classification: Uncertain significance. Last evaluated: 2015-01-27. Review status: criteria provided, single submitter. Criteria: EGL Classification Definitions 2015. Collection method: clinical testing. Allele origin: germline. Observed: 1 variant allele, 1 heterozygote.

NM_001042432.2(CLN3):c.776C>T (p.Pro259Leu)

Gene: CLN3 (CLN3 lysosomal/endosomal transmembrane protein, battenin; minus strand). Cytogenetic location: 16p12.1.
Variant type: single nucleotide variant.
Coding change: c.776C>T on transcript NM_001042432.2 (MANE Select); coding-DNA position 776, C replaced by T.
Protein change: p.Pro259Leu; replaces proline 259 with leucine.
Molecular consequence: missense variant.
Genome position (GRCh38, 1-based): chr16:28,484,020, G>A on the plus strand (C>T on the coding strand, the complement: CLN3 is on the minus strand). VCF-style: chr16-28484020-G-A. GRCh37 (hg19) VCF-style: chr16-28495341-G-A.
Other names: p.P259L:CCG>CTG; c.776C>T, p.Pro259Leu (NM_000086.2); c.704C>T, p.Pro235Leu (NM_001286104.2); c.476C>T, p.Pro159Leu (NM_001286105.2); c.542C>T, p.Pro181Leu (NM_001286109.2); c.614C>T, p.Pro205Leu (NM_001286110.2); short protein forms P259L, P235L, P181L, P205L, P159L.
Identifiers: ClinVar variation 193616 (VCV000193616.20), dbSNP rs137858807, ClinGen allele CA239168.